The following is an entry in ClinVar:

NM_001387430.1(SH2B1):c.297G>A (p.Ala99=)

Gene: SH2B1 (SH2B adaptor protein 1; plus strand). Cytogenetic location: 16p11.2.
Variant type: single nucleotide variant.
Coding change: c.297G>A on transcript NM_001387430.1 (MANE Select); coding-DNA position 297, G replaced by A.
Protein change: p.Ala99=; no amino-acid change (alanine 99 retained).
Molecular consequence: synonymous variant. On other transcripts: intron variant (1).
Genome position (GRCh38, 1-based): chr16:28,866,391, G>A. VCF-style: chr16-28866391-G-A. GRCh37 (hg19) VCF-style: chr16-28877712-G-A.
Other names: c.297G>A, p.Ala99= (NM_001145795.2, NM_001145796.2, NM_001145797.2 and 4 more transcripts); c.-26-983G>A (NM_001308294.2).
Identifiers: ClinVar variation 3350256 (VCV003350256.1).

ClinVar aggregate classification (germline): Likely benign (0 of 4 stars; one submission).

Conditions:
SH2B1-related disorder. Also called: SH2B1-related condition.

Submission:

PreventionGenetics, part of Exact Sciences
Classification: Likely benign for SH2B1-related condition. Last evaluated: 2023-08-17. Review status: no assertion criteria provided. Collection method: clinical testing. Allele origin: germline.
Comment: This variant is classified as likely benign based on ACMG/AMP sequence variant interpretation guidelines (Richards et al. 2015 PMID: 25741868, with internal and published modifications).